The following is an entry in ClinVar:

ClinVar aggregate classification (germline): Uncertain significance (1 of 4 stars; one submission).

Conditions:
Cardiovascular phenotype. Identifiers: MedGen CN230736.

Submission:

Ambry Genetics
Classification: Uncertain significance for Cardiovascular phenotype. Last evaluated: 2025-08-28. Review status: criteria provided, single submitter. Criteria: Ambry Variant Classification Scheme 2023. Collection method: clinical testing. Allele origin: germline.
Comment: The p.R234S variant (also known as c.702G>T) is located in coding exon 4 of the SNTA1 gene. The arginine at codon 234 is replaced by serine, an amino acid with dissimilar properties. This change occurs in the first base pair of coding exon 4. This amino acid position is highly conserved in available vertebrate species. In addition, the in silico prediction for this alteration is inconclusive. Since supporting evidence is limited at this time, the clinical significance of this alteration remains unclear.

NM_003098.3(SNTA1):c.702G>T (p.Arg234Ser)

Gene: SNTA1 (syntrophin alpha 1; minus strand). Cytogenetic location: 20q11.21.
Variant type: single nucleotide variant.
Coding change: c.702G>T on transcript NM_003098.3 (MANE Select); coding-DNA position 702, G replaced by T.
Protein change: p.Arg234Ser; replaces arginine 234 with serine.
Molecular consequence: missense variant.
Genome position (GRCh38, 1-based): chr20:33,412,782, C>A on the plus strand (G>T on the coding strand, the complement: SNTA1 is on the minus strand). VCF-style: chr20-33412782-C-A. GRCh37 (hg19) VCF-style: chr20-32000588-C-A.
Other names: short protein forms R234S.
Identifiers: ClinVar variation 1756786 (VCV001756786.3), dbSNP rs1203159357, ClinGen allele CA408632031.